The following is an entry in ClinVar:

ClinVar aggregate classification (germline): Pathogenic. Review status: reviewed by expert panel (3 of 4 stars). 13 submissions from 13 submitters: Pathogenic (1). 12 of the submissions do not count toward it. Last evaluated 2024-06-06.

Conditions:
Glycogen storage disease, type II (IOPD). Also called: Glucosidase acid-1,4-alpha deficiency; CARDIOMEGALIA GLYCOGENICA DIFFUSA; GLYCOGENOSIS, GENERALIZED, CARDIAC FORM; GSD II; Glycogen storage disease type 2; Acid maltase deficiency disease. Identifiers: Orphanet 365, MedGen C0017921, MONDO:0009290, OMIM 232300.

Allele frequency attached by ClinVar (database versions not stated): ExAC 0.00001; gnomAD 0.00002; gnomAD exomes 0.00001; TOPMed 0.00001.
gnomAD v4.1: 13 of 1,610,266 alleles (0.00081%); highest among the groups gnomAD compares: African/African-American, 0.0013%; no homozygotes.

Submissions 1 to 9 of 13:

ClinGen Lysosomal Storage Disorder Variant Curation Expert Panel
Classification: Pathogenic for Glycogen storage disease, type II. Last evaluated: 2024-06-06. Review status: reviewed by expert panel. Criteria: clingen_lsd_acmg_specifications_v2-1. Collection method: curation. Allele origin: germline. Inheritance: Autosomal recessive inheritance.
Comment: The NM_000152.5:c.1912G>T variant in GAA is predicted to result in the substitution of glycine by tryptophan at amino acid 638, (p.Gly638Trp). At least 14 individuals diagnosed with Pompe disease have been reported with this variant. Of those individuals, two have symptoms reported to be consistent with infantile onset Pompe disease (including cardiac symptoms and hypotonia) and are on enzyme replacement therapy (PMIDs:19588081, 28763149, 31086307), and two patients with late onset Pompe disease are reported with laboratory values showing reduced GAA activity (PMIDs: 36299500) and two of them are also treated with ERT (PMIDs: 24923245, 17573812, 17643989, 21484825, 25455803, 27189384) (PP4_Moderate). Ten individuals are compound heterozygous for the variant and another variant in GAA that has been classified as pathogenic or likely pathogenic by the ClinGen LD VCEP. The second variant includes c.-32-13T>G (ClinVar Variation ID: 4027) (7 individuals, all phase unknown; max 1 point counted) (PMIDs: 10737124, 24923245, 28763149, 29181627, 30564623, 36299500); c.2481+102_2646+31del, phase unknown, 0.5 points (PMID: 29122469), and c.2608C>T (p.Arg870Ter) (ClinVar Variation ID: 189009, SCV001371741.1) (confirmed in trans, 1 point) (PMID: 28763149, 31086307) (ClinVar Variation ID: 189009, SCV001371741.1), and c.1913G>T (p.Gly638Val) (confirmed in trans, 1 point) (PMID: 19588081). At least one individual is homozygous for the variant (PMIDs: 18429042, 31086307). Total 4 points (PM3_VeryStrong). In addition, three individuals are compound heterozygous for the variant and either c.1829C>T (p.Ala610Val) (PMID: 17573812, 17643989, 21484825, 25455803, 27189384), c.2294G>A (p.Gly765Asp) (PMID: 24627108), c.2294G>A (p.Gly765Asp) (PMID: 31086307). The allelic data for these individuals will be used in the assessment of the second variant and was not included here to avoid circular logic. The highest population minor allele frequency (MAF) in gnomAD v2.1.1. is 0.00006752 (1/14810 alleles) in the African/African-American population, which is lower than the ClinGen Lysosomal Diseases VCEP’s threshold for PM2_Supporting (<0.001), meeting this criterion (PM2_Supporting). In gnomAD v4.1. the highest MAF is 0.00001335 (1/74902 alleles) in the African/African-American population, also meeting PM2_Supporting. When expressed in COS-7 cells, the variant resulted in <2% control activity (PMID: 19862843). The computational predictor REVEL gives a score of 0.988 which is above the threshold of 0.7, evidence that correlates with impact to GAA function (PP3). Another amino acid change at the same position, c.1913G>T (p.Gly638Val), has been reported in patients with Pompe disease. This data was used in the assessment of p.Gly638Val and is not included here to avoid circular logic.. There is a ClinVar entry for this variant (ClinVar Variation ID: 280954) In summary, this variant meets the criteria to be classified as pathogenic for Pompe disease. GAA-specific ACMG/AMP criteria applied, as specified by the ClinGen Lysosomal Diseases VCEP (Specifications Version 2.0): PM3_VeryStrong, PP4_Moderate, PP3, PS3_Supporting, PM2_Supporting. (Classification approved by the ClinGen Lysosomal Diseases Variant Curation Expert Panel on June 6, 2024)

Genomenon, Inc
Classification: Likely pathogenic for Glycogen storage disease, type II. Last evaluated: 2026-07-01. Review status: criteria provided, single submitter. Criteria: Genomenon Sequence Variant Interpretation Standards - Updated. Collection method: curation. Allele origin: germline. Affected: yes. Not counted in ClinVar's aggregate classification.
Comment: GAA p.Gly638Trp (c.1912G>T) is a missense variant that changes the amino acid at codon 638 from Glycine to Tryptophan. This variant has been observed in at least one proband with a GAA-related disorder in the compound heterozygous and/or homozygous state (PMID:36299500;34501319;32849613;29181627;24923245;28763149;28380188;27189384;17616415;17573812). At least one functional study has demonstrated a substantial alteration in protein function relative to the wild-type (PMID:19862843). It is absent or not present at a significant frequency in gnomAD. In silico models predict that this variant is possibly or probably damaging. In conclusion, we classify GAA p.Gly638Trp (c.1912G>T) as a likely pathogenic variant.

Labcorp Genetics (formerly Invitae), Labcorp
Classification: Pathogenic for Glycogen storage disease, type II. Last evaluated: 2025-11-09. Review status: criteria provided, single submitter. Criteria: Invitae Variant Classification Sherloc (09022015). Collection method: clinical testing. Allele origin: germline. Not counted in ClinVar's aggregate classification.
Comment: This sequence change replaces glycine, which is neutral and non-polar, with tryptophan, which is neutral and slightly polar, at codon 638 of the GAA protein (p.Gly638Trp). This variant is present in population databases (rs757617999, gnomAD 0.007%). This missense change has been observed in individual(s) with Pompe disease (PMID: 10737124, 17573812, 18429042, 19588081, 28763149, 29122469, 29181627). In at least one individual the data is consistent with being in trans (on the opposite chromosome) from a pathogenic variant. ClinVar contains an entry for this variant (Variation ID: 280954). Invitae Evidence Modeling of protein sequence and biophysical properties (such as structural, functional, and spatial information, amino acid conservation, physicochemical variation, residue mobility, and thermodynamic stability) indicates that this missense variant is expected to disrupt GAA protein function with a positive predictive value of 95%. Experimental studies have shown that this missense change affects GAA function (PMID: 19862843). This variant disrupts the p.Gly638 amino acid residue in GAA. Other variant(s) that disrupt this residue have been determined to be pathogenic (PMID: 15121988, 19588081). This suggests that this residue is clinically significant, and that variants that disrupt this residue are likely to be disease-causing. For these reasons, this variant has been classified as Pathogenic.

Revvity Omics, Revvity
Classification: Pathogenic. Last evaluated: 2025-05-19. Review status: criteria provided, single submitter. Criteria: ACMG Guidelines, 2015. Collection method: clinical testing. Allele origin: germline. Not counted in ClinVar's aggregate classification.

Natera, Inc.
Classification: Pathogenic for Glycogen storage disease type II. Last evaluated: 2024-10-01. Review status: criteria provided, single submitter. Criteria: Natera Variant Classification Schema (03/2026). Collection method: clinical testing. Allele origin: germline. Not counted in ClinVar's aggregate classification.
Comment: The c.1912G>T variant in GAA is a missense variant predicted to cause substitution of glycine to tryptophan at amino acid 638. This variant is rare in the general population with a frequency below the threshold expected for the associated phenotype(s). This variant has been observed in one or more individuals affected with the associated recessive disease, as either homozygous or compound heterozygous with a second variant (PMID: 31086307, 18429042). Computational prediction algorithms indicate this variant is likely to affect gene or protein function. Given the available evidence, this variant is classified as Pathogenic.

Fulgent Genetics
Classification: Pathogenic for Glycogen storage disease, type II. Last evaluated: 2024-05-29. Review status: criteria provided, single submitter. Criteria: ACMG Guidelines, 2015. Collection method: clinical testing. Allele origin: germline. Not counted in ClinVar's aggregate classification.

GeneDx
Classification: Pathogenic. Last evaluated: 2024-05-06. Review status: criteria provided, single submitter. Criteria: GeneDx Variant Classification Process June 2021. Collection method: clinical testing. Allele origin: germline. Affected: yes. Not counted in ClinVar's aggregate classification.
Comment: Published functional studies found this variant is associated with significantly reduced enzyme activity (PMID: 19862843); Not observed at significant frequency in large population cohorts (gnomAD); In silico analysis supports that this missense variant has a deleterious effect on protein structure/function; This variant is associated with the following publications: (PMID: 32849613, 24627108, 34885805, 31342611, 35109913, 27189384, 19862843, 34501319, 29122469, 31086307, 29181627, 31254424, 30564623, 10737124, 22834902)

Baylor Genetics
Classification: Pathogenic for Glycogen storage disease, type II. Last evaluated: 2023-08-13. Review status: criteria provided, single submitter. Criteria: ACMG Guidelines, 2015. Collection method: clinical testing. Allele origin: unknown. Not counted in ClinVar's aggregate classification.

AiLife Diagnostics
Classification: Pathogenic. Last evaluated: 2022-01-27. Review status: criteria provided, single submitter. Criteria: ACMG Guidelines, 2015. Collection method: clinical testing. Allele origin: germline. Affected: yes. Observed: 1 variant allele. Not counted in ClinVar's aggregate classification.

NM_000152.5(GAA):c.1912G>T (p.Gly638Trp)

Gene: GAA (alpha glucosidase; plus strand). Cytogenetic location: 17q25.3.
Variant type: single nucleotide variant.
Coding change: c.1912G>T on transcript NM_000152.5 (MANE Select); coding-DNA position 1912, G replaced by T.
Protein change: p.Gly638Trp; replaces glycine 638 with tryptophan.
Molecular consequence: missense variant.
Genome position (GRCh38, 1-based): chr17:80,112,899, G>T. VCF-style: chr17-80112899-G-T. GRCh37 (hg19) VCF-style: chr17-78086698-G-T.
Other names: c.1912G>T, p.Gly638Trp (NM_001079803.3, NM_001079804.3); short protein forms G638W.
Identifiers: ClinVar variation 280954 (VCV000280954.32), dbSNP rs757617999, ClinGen allele CA8815545.